The following is an entry in ClinVar:

GRCh38/hg38 15q15.3(chr15:43596924-43676278)x1

Genes: CATSPER2 (cation channel sperm associated 2; minus strand), CKMT1B (creatine kinase, mitochondrial 1B; plus strand), STRC (stereocilin; minus strand), LOC130056949 (ATAC-STARR-seq lymphoblastoid active region 9317; plus strand), LOC130056948 (ATAC-STARR-seq lymphoblastoid active region 9316; plus strand). Cytogenetic location: 15q15.3.
Variant type: copy number loss.
Change: copy number 1 (one copy instead of two) of chr15:43,596,924-43,676,278 (79.4 kb, GRCh38 coordinates, 1-based), cytogenetic band 15q15.3.
Identifiers: ClinVar variation 4796336 (VCV004796336.1).

ClinVar aggregate classification (germline): Uncertain significance (1 of 4 stars; one submission).

Submission:

Medical Genetic Center, Changzhi Maternal and Child Health Care Hospital
Classification: Uncertain significance. Last evaluated: 2025-12-10. Review status: criteria provided, single submitter. Criteria: ACMG/ClinGen CNV Guidelines, 2019. Collection method: clinical testing. Allele origin: unknown.
Comment: 2. STRC deltion carrier